The following is an entry in ClinVar:

ClinVar aggregate classification (germline): Benign. Review status: criteria provided, multiple submitters, no conflicts (2 of 4 stars). 5 submissions from 5 submitters: Benign (4). 1 of the submissions does not count toward it. Last evaluated 2026-01-28.

Conditions:
TET2-related disorder. Also called: TET2-related condition.

Allele frequency attached by ClinVar (database versions not stated): gnomAD 0.01584 and 0.01708; 1000 Genomes Project 0.01298; 1000 Genomes Project 30x 0.01405; ESP Exome Variant Server 0.01745; ExAC 0.00482; TOPMed 0.01879; gnomAD exomes 0.00156 and 0.00414.
gnomAD v4.1: 4,855 of 1,613,994 alleles (0.3%); highest among the groups gnomAD compares: African/African-American, 5.5%; 133 homozygotes.

Submissions (5):

Labcorp Genetics (formerly Invitae), Labcorp
Classification: Benign. Last evaluated: 2026-01-28. Review status: criteria provided, single submitter. Criteria: Invitae Variant Classification Sherloc (09022015). Collection method: clinical testing. Allele origin: germline.

ARUP Laboratories, Molecular Genetics and Genomics, ARUP Laboratories
Classification: Benign. Last evaluated: 2024-10-10. Review status: criteria provided, single submitter. Criteria: ARUP Molecular Germline Variant Investigation Process 2024. Collection method: clinical testing. Allele origin: germline.

Mayo Clinic Laboratories, Mayo Clinic
Classification: Benign. Last evaluated: 2023-08-31. Review status: criteria provided, single submitter. Criteria: ACMG Guidelines, 2015. Collection method: clinical testing. Allele origin: germline. Observed: 3 variant alleles.

Breakthrough Genomics
Classification: Benign. Review status: criteria provided, single submitter. Criteria: ACMG Guidelines, 2015. Collection method: not provided. Allele origin: germline. Inheritance: Autosomal recessive inheritance. Affected: yes.

PreventionGenetics, part of Exact Sciences
Classification: Benign for TET2-related condition. Last evaluated: 2020-01-02. Review status: no assertion criteria provided. Collection method: clinical testing. Allele origin: germline. Not counted in ClinVar's aggregate classification.
Comment: This variant is classified as benign based on ACMG/AMP sequence variant interpretation guidelines (Richards et al. 2015 PMID: 25741868, with internal and published modifications).

NM_001127208.3(TET2):c.1884G>A (p.Glu628=)

Genes: TET2-AS1 (TET2 antisense RNA 1; minus strand), TET2 (tet methylcytosine dioxygenase 2; plus strand). Cytogenetic location: 4q24.
Variant type: single nucleotide variant.
Coding change: c.1884G>A on transcript NM_001127208.3 (MANE Select); coding-DNA position 1884, G replaced by A.
Protein change: p.Glu628=; no amino-acid change (glutamic acid 628 retained).
Molecular consequence: synonymous variant.
Genome position (GRCh38, 1-based): chr4:105,235,826, G>A. VCF-style: chr4-105235826-G-A. GRCh37 (hg19) VCF-style: chr4-106156983-G-A.
Other names: p.Glu628=; c.1884G>A, p.Glu628= (NM_017628.4).
Identifiers: ClinVar variation 767966 (VCV000767966.13), dbSNP rs35695427, ClinGen allele CA3031774.